The following is an entry in ClinVar:

ClinVar aggregate classification (germline): other (0 of 4 stars; one submission).

Conditions:
Familial colorectal cancer. Identifiers: MedGen CN280943, MONDO:0023113. Disease mechanism: loss of function.

Submission:

Systems Biology Platform Zhejiang California International NanoSystems Institute
Classification: other for Familial colorectal cancer. Review status: no assertion criteria provided. Collection method: not provided. Allele origin: unknown.
ClinVar note: Converted during submission from cancer to other.

NM_000038.6(APC):c.1744-577T>G

Gene: APC (APC regulator of WNT signaling pathway; plus strand). Cytogenetic location: 5q22.2.
Variant type: single nucleotide variant.
Coding change: c.1744-577T>G on transcript NM_000038.6 (MANE Select); 577 bases into the intron before coding-DNA position 1744, T replaced by G.
Molecular consequence: intron variant.
Genome position (GRCh38, 1-based): chr5:112,834,374, T>G. VCF-style: chr5-112834374-T-G. GRCh37 (hg19) VCF-style: chr5-112170071-T-G.
Other names: c.1744-577T>G (NM_001354895.2, NM_001127510.3); c.1774-577T>G (NM_001354897.2); c.1471-577T>G (NM_001354902.2); c.1690-577T>G (NM_001127511.3); c.1669-577T>G (NM_001354898.2); c.1366-577T>G (NM_001354904.2); c.895-577T>G (NM_001354906.2); c.1798-577T>G (NM_001354896.2); and 5 more.
Identifiers: ClinVar variation 83200 (VCV000083200.2), dbSNP rs77807720, ClinGen allele CA005932.